The following is an entry in ClinVar:

ClinVar aggregate classification (germline): Uncertain significance (1 of 4 stars; one submission).

Allele frequency attached by ClinVar (database versions not stated): gnomAD exomes below 0.00001; TOPMed below 0.00001.
gnomAD v4.1: 1 of 1,522,670 alleles (0.000066%); highest among the groups gnomAD compares: East Asian, 0.0024%; no homozygotes.

Submission:

Labcorp Genetics (formerly Invitae), Labcorp
Classification: Uncertain significance. Last evaluated: 2025-10-09. Review status: criteria provided, single submitter. Criteria: Invitae Variant Classification Sherloc (09022015). Collection method: clinical testing. Allele origin: germline.
Comment: This sequence change falls in intron 12 of the IFT81 gene. It does not directly change the encoded amino acid sequence of the IFT81 protein. It affects a nucleotide within the consensus splice site. The frequency data for this variant in the population databases is considered unreliable, as metrics indicate poor data quality at this position in the gnomAD database. This variant has not been reported in the literature in individuals affected with IFT81-related conditions. ClinVar contains an entry for this variant (Variation ID: 1002512). Variants that disrupt the consensus splice site are a relatively common cause of aberrant splicing (PMID: 17576681, 9536098). Algorithms developed to predict the effect of sequence changes on RNA splicing suggest that this variant is not likely to affect RNA splicing. In summary, the available evidence is currently insufficient to determine the role of this variant in disease. Therefore, it has been classified as a Variant of Uncertain Significance.

Literature cited by the submitters: PubMed 17576681; PubMed 9536098.

NM_014055.4(IFT81):c.1339-3T>C

Gene: IFT81 (intraflagellar transport 81; plus strand). Cytogenetic location: 12q24.11.
Variant type: single nucleotide variant.
Coding change: c.1339-3T>C on transcript NM_014055.4 (MANE Select); 3 bases into the intron before coding-DNA position 1339, T replaced by C.
Molecular consequence: intron variant.
Genome position (GRCh38, 1-based): chr12:110,190,917, T>C. VCF-style: chr12-110190917-T-C. GRCh37 (hg19) VCF-style: chr12-110628722-T-C.
Other names: c.409-3T>C (NM_001347948.2, NM_001347947.2); c.1339-3T>C (NM_001143779.2).
Identifiers: ClinVar variation 1002512 (VCV001002512.6), dbSNP rs1370119786, ClinGen allele CA607556772.